The following is an entry in ClinVar:

NM_003500.4(ACOX2):c.1474G>A (p.Asp492Asn)

Gene: ACOX2 (acyl-CoA oxidase 2; minus strand). Cytogenetic location: 3p14.3.
Variant type: single nucleotide variant.
Coding change: c.1474G>A on transcript NM_003500.4 (MANE Select); coding-DNA position 1474, G replaced by A.
Protein change: p.Asp492Asn; replaces aspartic acid 492 with asparagine.
Molecular consequence: missense variant.
Genome position (GRCh38, 1-based): chr3:58,524,478, C>T on the plus strand (G>A on the coding strand, the complement: ACOX2 is on the minus strand). VCF-style: chr3-58524478-C-T. GRCh37 (hg19) VCF-style: chr3-58510205-C-T.
Other names: short protein forms D492N.
Identifiers: ClinVar variation 1486521 (VCV001486521.6), dbSNP rs762372178, ClinGen allele CA2472058.
Genomic context (GRCh38, chr3:58,524,478, plus strand): 5'-TGGCTTACCTTACTGCCACATGTGCCCAGGCCGTGGTGTAGAGCTCCGGGCAGAGGAAGT[C>T]GGCTGCCCTCTGGGCTGGACACCTGGCCAGGTCAGGTGCGGTGAGATATGCGACAGATGG-3'
Protein context (NP_003491.1, residues 482-502): LARCPAQRAA[Asp492Asn]FLCPELYTTA

ClinVar aggregate classification (germline): Uncertain significance (1 of 4 stars; one submission).

Allele frequency attached by ClinVar (database versions not stated): gnomAD exomes 0.00002; ExAC 0.00003; gnomAD 0.00003; TOPMed 0.00003.
gnomAD v4.1: 20 of 1,613,822 alleles (0.0012%); highest among the groups gnomAD compares: Middle Eastern, 0.15%; no homozygotes.

Submission:

Labcorp Genetics (formerly Invitae), Labcorp
Classification: Uncertain significance. Last evaluated: 2022-10-25. Review status: criteria provided, single submitter. Criteria: Invitae Variant Classification Sherloc (09022015). Collection method: clinical testing. Allele origin: germline.
Comment: This variant is present in population databases (rs762372178, gnomAD 0.01%). In summary, the available evidence is currently insufficient to determine the role of this variant in disease. Therefore, it has been classified as a Variant of Uncertain Significance. Advanced modeling of protein sequence and biophysical properties (such as structural, functional, and spatial information, amino acid conservation, physicochemical variation, residue mobility, and thermodynamic stability) performed at Invitae indicates that this missense variant is not expected to disrupt ACOX2 protein function. ClinVar contains an entry for this variant (Variation ID: 1486521). This variant has not been reported in the literature in individuals affected with ACOX2-related conditions. This sequence change replaces aspartic acid, which is acidic and polar, with asparagine, which is neutral and polar, at codon 492 of the ACOX2 protein (p.Asp492Asn).